The following is an entry in ClinVar:

ClinVar aggregate classification (germline): Pathogenic (1 of 4 stars; one submission).

Submission:

Labcorp Genetics (formerly Invitae), Labcorp
Classification: Pathogenic. Last evaluated: 2024-10-16. Review status: criteria provided, single submitter. Criteria: Invitae Variant Classification Sherloc (09022015). Collection method: clinical testing. Allele origin: germline.
Comment: This sequence change creates a premature translational stop signal (p.Leu50Hisfs*251) in the GATA3 gene. It is expected to result in an absent or disrupted protein product. Loss-of-function variants in GATA3 are known to be pathogenic (PMID: 14985365, 21242646). This variant is not present in population databases (gnomAD no frequency). This variant has not been reported in the literature in individuals affected with GATA3-related conditions. ClinVar contains an entry for this variant (Variation ID: 2046531). For these reasons, this variant has been classified as Pathogenic.

Literature cited by the submitters: PubMed 14985365; PubMed 21242646.

NM_001002295.2(GATA3):c.149_156del (p.Leu50fs)

Gene: GATA3 (GATA binding protein 3; plus strand). Cytogenetic location: 10p14.
Variant type: Deletion.
Coding change: c.149_156del on transcript NM_001002295.2 (MANE Select); coding-DNA positions 149 to 156, 8 bases deleted (TTTTTAAC; older notation c.149_156delTTTTTAAC).
Protein change: p.Leu50fs; shifts the reading frame from leucine 50.
Molecular consequence: frameshift variant.
Genome position (GRCh38, 1-based): chr10:8,055,804-8,055,811, TTTTTAAC deleted; deleting any 8 consecutive bases within chr10:8,055,803-8,055,811 gives the same sequence; the c. name uses the placement nearest the transcript's 3' end. VCF-style (leftmost placement, unchanged base first): chr10-8055802-GCTTTTTAA-G. GRCh37 (hg19) VCF-style: chr10-8097765-GCTTTTTAA-G.
Other names: c.149_156del, p.Leu50fs (NM_002051.3); short protein forms L50fs.
Identifiers: ClinVar variation 2046531 (VCV002046531.4), dbSNP rs2491449631, ClinGen allele CA2580081311.